The following is an entry in ClinVar:

ClinVar aggregate classification (germline): Uncertain significance. Review status: criteria provided, multiple submitters, no conflicts (2 of 4 stars). 2 submissions from 2 submitters: Uncertain significance (2). Last evaluated 2023-05-18.

Conditions:
Multiple congenital anomalies-hypotonia-seizures syndrome 1 (MCAHS1). Also called: GLYCOSYLPHOSPHATIDYLINOSITOL BIOSYNTHESIS DEFECT 3; PIGN-CDG; Congenital disorder of glycosylation due to PIGN deficiency. Identifiers: Orphanet 280633, MedGen C3279775, MONDO:0013563, OMIM 614080.
Inborn genetic diseases. Identifiers: MedGen C0950123, MeSH D030342.

Allele frequency attached by ClinVar (database versions not stated): gnomAD exomes 0.00001 and 0.00007; gnomAD 0.00003 and 0.00004; TOPMed 0.00003; ExAC 0.00024.
gnomAD v4.1: 13 of 1,589,746 alleles (0.00082%); highest among the groups gnomAD compares: East Asian, 0.025%; no homozygotes.

Submissions (2):

Ambry Genetics
Classification: Uncertain significance for Inborn genetic diseases. Last evaluated: 2023-05-18. Review status: criteria provided, single submitter. Criteria: Ambry Variant Classification Scheme 2023. Collection method: clinical testing. Allele origin: germline.

Labcorp Genetics (formerly Invitae), Labcorp
Classification: Uncertain significance for Multiple congenital anomalies-hypotonia-seizures syndrome 1. Last evaluated: 2021-08-24. Review status: criteria provided, single submitter. Criteria: Invitae Variant Classification Sherloc (09022015). Collection method: clinical testing. Allele origin: germline.
Comment: This sequence change replaces leucine with serine at codon 549 of the PIGN protein (p.Leu549Ser). The leucine residue is moderately conserved and there is a large physicochemical difference between leucine and serine. This variant is present in population databases (rs769428343, ExAC 0.4%). This variant has not been reported in the literature in individuals affected with PIGN-related conditions. Algorithms developed to predict the effect of missense changes on protein structure and function output the following: SIFT: "Deleterious"; PolyPhen-2: "Benign"; Align-GVGD: "Class C25". The serine amino acid residue is found in multiple mammalian species, which suggests that this missense change does not adversely affect protein function. Algorithms developed to predict the effect of sequence changes on RNA splicing suggest that this variant may create or strengthen a splice site. In summary, the available evidence is currently insufficient to determine the role of this variant in disease. Therefore, it has been classified as a Variant of Uncertain Significance.

NM_176787.5(PIGN):c.1646T>C (p.Leu549Ser)

Gene: PIGN (phosphatidylinositol glycan anchor biosynthesis class N; minus strand). Cytogenetic location: 18q21.33.
Variant type: single nucleotide variant.
Coding change: c.1646T>C on transcript NM_176787.5 (MANE Select); coding-DNA position 1646, T replaced by C.
Protein change: p.Leu549Ser; replaces leucine 549 with serine.
Molecular consequence: missense variant.
Genome position (GRCh38, 1-based): chr18:62,107,014, A>G on the plus strand (T>C on the coding strand, the complement: PIGN is on the minus strand). VCF-style: chr18-62107014-A-G. GRCh37 (hg19) VCF-style: chr18-59774247-A-G.
Other names: c.1646T>C, p.Leu549Ser (NM_012327.6); short protein forms L549S.
Identifiers: ClinVar variation 570709 (VCV000570709.7), dbSNP rs769428343, ClinGen allele CA8982230.
Genomic context (GRCh38, chr18:62,107,014, plus strand): 5'-TTGCAAATGTTGTAATCTGGTAAGTTACTTACTAATACTTCAATTCCCAGGGTAAAGGCT[A>G]ACAGGTACCCAACAAAATGGCTCAGAGGATAGGTCAACACTGATACAACAAGGTCCTGAA-3'
Protein context (NP_789744.1, residues 539-559): YPLSHFVGYL[Leu549Ser]AFTLGIEVLV